The following is an entry in ClinVar:

NM_001271.4(CHD2):c.3476A>T (p.Asp1159Val)

Gene: CHD2 (chromodomain helicase DNA binding protein 2; plus strand). Cytogenetic location: 15q26.1.
Variant type: single nucleotide variant.
Coding change: c.3476A>T on transcript NM_001271.4 (MANE Select); coding-DNA position 3476, A replaced by T.
Protein change: p.Asp1159Val; replaces aspartic acid 1159 with valine.
Molecular consequence: missense variant.
Genome position (GRCh38, 1-based): chr15:92,992,879, A>T. VCF-style: chr15-92992879-A-T. GRCh37 (hg19) VCF-style: chr15-93536109-A-T.
Other names: c.3476A>T (NM_001271.3); short protein forms D1159V.
Identifiers: ClinVar variation 1396401 (VCV001396401.8), dbSNP rs2141861610, ClinGen allele CA393896560.

ClinVar aggregate classification (germline): Uncertain significance. Review status: criteria provided, single submitter (1 of 4 stars). 2 submissions from 2 submitters: Uncertain significance (1). 1 of the submissions does not count toward it. Last evaluated 2021-12-05.

Conditions:
CHD2-related disorder. Also called: CHD2-related condition.
Developmental and epileptic encephalopathy 94 (DEE94). Also called: CHD2-Related Neurodevelopmental Disorders; Epileptic encephalopathy, childhood-onset. Identifiers: Orphanet 1942, Orphanet 2382, MedGen C3809278, MONDO:0014150, OMIM 615369.

Submissions (2):

Labcorp Genetics (formerly Invitae), Labcorp
Classification: Uncertain significance for Developmental and epileptic encephalopathy 94. Last evaluated: 2021-12-05. Review status: criteria provided, single submitter. Criteria: Invitae Variant Classification Sherloc (09022015). Collection method: clinical testing. Allele origin: germline.
Comment: This variant has not been reported in the literature in individuals affected with CHD2-related conditions. In summary, the available evidence is currently insufficient to determine the role of this variant in disease. Therefore, it has been classified as a Variant of Uncertain Significance. Advanced modeling of protein sequence and biophysical properties (such as structural, functional, and spatial information, amino acid conservation, physicochemical variation, residue mobility, and thermodynamic stability) performed at Invitae indicates that this missense variant is not expected to disrupt CHD2 protein function. This variant is not present in population databases (gnomAD no frequency). This sequence change replaces aspartic acid, which is acidic and polar, with valine, which is neutral and non-polar, at codon 1159 of the CHD2 protein (p.Asp1159Val).

PreventionGenetics, part of Exact Sciences
Classification: Uncertain significance for CHD2-related condition. Last evaluated: 2023-11-28. Review status: no assertion criteria provided. Collection method: clinical testing. Allele origin: germline. Not counted in ClinVar's aggregate classification.
Comment: The CHD2 c.3476A>T variant is predicted to result in the amino acid substitution p.Asp1159Val. To our knowledge, this variant has not been reported in the literature or in a large population database, indicating this variant is rare. At this time, the clinical significance of this variant is uncertain due to the absence of conclusive functional and genetic evidence.